The following is an entry in ClinVar:

NM_004928.3(CFAP410):c.643-33G>A

Gene: CFAP410 (cilia and flagella associated protein 410; minus strand). Cytogenetic location: 21q22.3.
Variant type: single nucleotide variant.
Coding change: c.643-33G>A on transcript NM_004928.3 (MANE Select); 33 bases into the intron before coding-DNA position 643, G replaced by A.
Molecular consequence: intron variant.
Genome position (GRCh38, 1-based): chr21:44,330,359, C>T on the plus strand (G>A on the coding strand, the complement: CFAP410 is on the minus strand). VCF-style: chr21-44330359-C-T. GRCh37 (hg19) VCF-style: chr21-45750242-C-T.
Other names: c.640-33G>A (NM_001271440.2); c.1000-33G>A (NM_001271441.2); c.517-33G>A (NM_001271442.1).
Identifiers: ClinVar variation 3032381 (VCV003032381.2), dbSNP rs374674790, ClinGen allele CA10053500.

ClinVar aggregate classification (germline): Likely benign (0 of 4 stars; one submission).

Conditions:
CFAP410-related disorder. Also called: CFAP410-related condition.

Allele frequency attached by ClinVar (database versions not stated): gnomAD 0.00005; ESP Exome Variant Server 0.00008; ExAC 0.00009; gnomAD exomes 0.00010.
gnomAD v4.1: 145 of 1,594,694 alleles (0.0091%); highest among the groups gnomAD compares: Non-Finnish European, 0.01%; no homozygotes.

Submission:

PreventionGenetics, part of Exact Sciences
Classification: Likely benign for CFAP410-related condition. Last evaluated: 2022-12-14. Review status: no assertion criteria provided. Collection method: clinical testing. Allele origin: germline.
Comment: This variant is classified as likely benign based on ACMG/AMP sequence variant interpretation guidelines (Richards et al. 2015 PMID: 25741868, with internal and published modifications).